The following is an entry in ClinVar:

ClinVar aggregate classification (germline): Uncertain significance (1 of 4 stars; one submission).

Conditions:
Dilated cardiomyopathy 1HH (CMD1HH). Identifiers: Orphanet 154, MedGen C3151293, MONDO:0013479, OMIM 613881.
Myofibrillar myopathy 6. Identifiers: Orphanet 199340, MedGen C2751831, MONDO:0013061, OMIM 612954.

Submission:

Labcorp Genetics (formerly Invitae), Labcorp
Classification: Uncertain significance for Dilated cardiomyopathy 1HH; Myofibrillar myopathy 6. Last evaluated: 2026-01-19. Review status: criteria provided, single submitter. Criteria: Invitae Variant Classification Sherloc (09022015). Collection method: clinical testing. Allele origin: germline.
Comment: This sequence change creates a premature translational stop signal (p.Thr549Serfs*15) in the BAG3 gene. While this is not anticipated to result in nonsense mediated decay, it is expected to disrupt the last 27 amino acid(s) of the BAG3 protein. This variant is not present in population databases (gnomAD no frequency). This variant has not been reported in the literature in individuals affected with BAG3-related conditions. ClinVar contains an entry for this variant (Variation ID: 2946145). This variant disrupts a region of the BAG3 protein in which other variant(s) (p.Ala558Val) have been observed in individuals with BAG3-related conditions (PMID: 25728519). This suggests that this is a clinically significant region of the protein, and that variants that disrupt it are likely to be disease-causing. In summary, the available evidence is currently insufficient to determine the role of this variant in disease. Therefore, it has been classified as a Variant of Uncertain Significance.

Literature cited by the submitters: PubMed 25728519.

NM_004281.4(BAG3):c.1646_1652del (p.Thr549fs)

Gene: BAG3 (BAG cochaperone 3; plus strand). Cytogenetic location: 10q26.11.
Variant type: Deletion.
Coding change: c.1646_1652del on transcript NM_004281.4 (MANE Select); coding-DNA positions 1646 to 1652, 7 bases deleted (CCCAGCA; older notation c.1646_1652delCCCAGCA).
Protein change: p.Thr549fs; shifts the reading frame from threonine 549.
Molecular consequence: frameshift variant.
Genome position (GRCh38, 1-based): chr10:119,677,200-119,677,206, CCCAGCA deleted; deleting any 7 consecutive bases within chr10:119,677,199-119,677,206 gives the same sequence; the c. name uses the placement nearest the transcript's 3' end. VCF-style (leftmost placement, unchanged base first): chr10-119677198-AACCCAGC-A. GRCh37 (hg19) VCF-style: chr10-121436710-AACCCAGC-A.
Other names: short protein forms T549fs.
Identifiers: ClinVar variation 2946145 (VCV002946145.3), dbSNP rs2494024812, ClinGen allele CA2573332535.